The following is an entry in ClinVar:

ClinVar aggregate classification (germline): Uncertain significance. Review status: criteria provided, multiple submitters, no conflicts (2 of 4 stars). 2 submissions from 2 submitters: Uncertain significance (2). Last evaluated 2023-08-18.

Submissions (2):

Labcorp Genetics (formerly Invitae), Labcorp
Classification: Uncertain significance. Last evaluated: 2023-08-18. Review status: criteria provided, single submitter. Criteria: Invitae Variant Classification Sherloc (09022015). Collection method: clinical testing. Allele origin: germline.
Comment: In summary, the available evidence is currently insufficient to determine the role of this variant in disease. Therefore, it has been classified as a Variant of Uncertain Significance. Experimental studies and prediction algorithms are not available or were not evaluated, and the functional significance of this variant is currently unknown. This variant has not been reported in the literature in individuals affected with DDX3X-related conditions. This variant is present in population databases (no rsID available, gnomAD 0.004%). This variant, c.1858_1860del, results in the deletion of 1 amino acid(s) of the DDX3X protein (p.Ser620del), but otherwise preserves the integrity of the reading frame.

GeneDx
Classification: Uncertain significance. Last evaluated: 2019-07-11. Review status: criteria provided, single submitter. Criteria: GeneDx Variant Classification Process June 2021. Collection method: clinical testing. Allele origin: germline. Affected: yes.
Comment: In-frame deletion of 1 amino acid in a non-repeat region; In silico analysis, which includes protein predictors and evolutionary conservation, supports that this variant does not alter protein structure/function; Has not been previously published as pathogenic or benign to our knowledge

NM_001356.5(DDX3X):c.1855AGC[2] (p.Ser621del)

Gene: DDX3X (DEAD-box helicase 3 X-linked; plus strand). Cytogenetic location: Xp11.4.
Variant type: Microsatellite.
Coding change: c.1855AGC[2] on transcript NM_001356.5 (MANE Select); two copies in a row of the 3-base unit AGC starting at c.1855; the reference has three copies in a row; one copy, 3 bases deleted.
Protein change: p.Ser621del; deletes serine 621.
Molecular consequence: inframe deletion. On other transcripts: non-coding transcript variant (1).
Genome position (GRCh38, 1-based): chrX:41,347,403-41,347,405, AGC deleted; deleting any 3 consecutive bases within chrX:41,347,397-41,347,405 gives the same sequence; the position shown is the placement nearest the transcript's 3' end. VCF-style (leftmost placement, unchanged base first): chrX-41347396-AAGC-A. GRCh37 (hg19) VCF-style: chrX-41206649-AAGC-A.
Other names: c.1852AGC[2], p.Ser620del (NM_001193416.3); c.1807AGC[2], p.Ser605del (NM_001193417.3); c.1294AGC[2], p.Ser434del (NM_001363819.1); short protein forms S434del, S605del, S620del, S621del.
Identifiers: ClinVar variation 1307084 (VCV001307084.6), dbSNP rs1308155746, ClinGen allele CA641475024.
Genomic context (GRCh38, chrX:41,347,396, plus strand): 5'-TGCCAGAGACTACCGACAAAGTAGCGGTGCCAGCAGTTCCAGCTTCAGCAGCAGCCGCGC[AAGC>A]AGCAGCCGCAGTGGCGGAGGTGGCCACGGTAGCAGCAGAGGATTTGGTGGAGGTAGTGTT-3'